The following is an entry in ClinVar:

NM_006767.4(LZTR1):c.2098A>G (p.Met700Val)

Gene: LZTR1 (leucine zipper like post translational regulator 1; plus strand). Cytogenetic location: 22q11.21.
Variant type: single nucleotide variant.
Coding change: c.2098A>G on transcript NM_006767.4 (MANE Select); coding-DNA position 2098, A replaced by G.
Protein change: p.Met700Val; replaces methionine 700 with valine.
Molecular consequence: missense variant.
Genome position (GRCh38, 1-based): chr22:20,995,991, A>G. VCF-style: chr22-20995991-A-G. GRCh37 (hg19) VCF-style: chr22-21350280-A-G.
Other names: short protein forms M700V.
Identifiers: ClinVar variation 1506466 (VCV001506466.11), dbSNP rs755871821, ClinGen allele CA10119244.

ClinVar aggregate classification (germline): Uncertain significance. Review status: criteria provided, multiple submitters, no conflicts (2 of 4 stars). 5 submissions from 5 submitters: Uncertain significance (5). Last evaluated 2025-12-10.

Conditions:
Noonan syndrome 2 (NS2). Identifiers: Orphanet 648, MedGen C1854469, MONDO:0011531, OMIM 605275.
LZTR1-related schwannomatosis. Also called: Schwannomatosis-2, susceptibility to; Schwannomatosis 2. Identifiers: Orphanet 93921, MedGen C3810283, MONDO:0014299, OMIM 615670.
Noonan syndrome 10 (NS10). Identifiers: Orphanet 648, MedGen C4225280, MONDO:0014693, OMIM 616564.
Hereditary cancer-predisposing syndrome. Also called: Tumor predisposition; Hereditary neoplastic syndrome; Hereditary Cancer Syndrome; Neoplastic Syndromes, Hereditary. Identifiers: Orphanet 140162, MedGen C0027672, MeSH D009386, MONDO:0015356.
Cardiovascular phenotype. Identifiers: MedGen CN230736.

Allele frequency attached by ClinVar (database versions not stated): gnomAD 0.00001; gnomAD exomes 0.00001 and 0.00003; ExAC 0.00002.
gnomAD v4.1: 14 of 1,613,610 alleles (0.00087%); highest among the groups gnomAD compares: Middle Eastern, 0.033%; no homozygotes.

Submissions (5):

Labcorp Genetics (formerly Invitae), Labcorp
Classification: Uncertain significance. Last evaluated: 2025-12-10. Review status: criteria provided, single submitter. Criteria: Invitae Variant Classification Sherloc (09022015). Collection method: clinical testing. Allele origin: germline.
Comment: This sequence change replaces methionine, which is neutral and non-polar, with valine, which is neutral and non-polar, at codon 700 of the LZTR1 protein (p.Met700Val). This variant is present in population databases (rs755871821, gnomAD 0.02%). This variant has not been reported in the literature in individuals affected with LZTR1-related conditions. ClinVar contains an entry for this variant (Variation ID: 1506466). Invitae Evidence Modeling of protein sequence and biophysical properties (such as structural, functional, and spatial information, amino acid conservation, physicochemical variation, residue mobility, and thermodynamic stability) indicates that this missense variant is not expected to disrupt LZTR1 protein function with a negative predictive value of 80%. In summary, the available evidence is currently insufficient to determine the role of this variant in disease. Therefore, it has been classified as a Variant of Uncertain Significance.

Ambry Genetics
Classification: Uncertain significance for Cardiovascular phenotype; Hereditary cancer-predisposing syndrome. Last evaluated: 2025-02-02. Review status: criteria provided, single submitter. Criteria: Ambry Variant Classification Scheme 2023. Collection method: clinical testing. Allele origin: germline.
Comment: The p.M700V variant (also known as c.2098A>G), located in coding exon 18 of the LZTR1 gene, results from an A to G substitution at nucleotide position 2098. The methionine at codon 700 is replaced by valine, an amino acid with highly similar properties. This amino acid position is highly conserved in available vertebrate species. In addition, this alteration is predicted to be deleterious by in silico analysis. Since supporting evidence is limited at this time, the clinical significance of this alteration remains unclear.

Baylor Genetics
Classification: Uncertain significance for LZTR1-related schwannomatosis. Last evaluated: 2024-03-05. Review status: criteria provided, single submitter. Criteria: ACMG Guidelines, 2015. Collection method: clinical testing. Allele origin: unknown.

Blueprint Genetics
Classification: Uncertain significance. Last evaluated: 2021-07-30. Review status: criteria provided, single submitter. Criteria: ACMG Guidelines, 2015. Collection method: clinical testing. Allele origin: germline.

Juno Genomics, Hangzhou Juno Genomics, Inc
Classification: Uncertain significance for LZTR1-related schwannomatosis; Noonan syndrome 10; Noonan syndrome 2. Review status: criteria provided, single submitter. Criteria: ACMG Guidelines, 2015. Collection method: clinical testing. Allele origin: germline. Affected: yes.
Comment: Absent from controls (or at extremely low frequency if recessive) in Genome Aggregation Database, Exome Sequencing Project, 1000 Genomes Project, or Exome Aggregation Consortium.;Multiple lines of computational evidence support a deleterious effect on the gene or gene product (conservation, evolutionary, splicing impact, etc).